The following is an entry in ClinVar:

ClinVar aggregate classification (germline): Likely benign (0 of 4 stars; one submission).

Conditions:
DSG4-related disorder. Also called: DSG4-related condition.

Allele frequency attached by ClinVar (database versions not stated): gnomAD exomes 0.00001.
gnomAD v4.1: 17 of 1,612,988 alleles (0.0011%); highest among the groups gnomAD compares: Non-Finnish European, 0.0013%; no homozygotes.

Submission:

PreventionGenetics, part of Exact Sciences
Classification: Likely benign for DSG4-related condition. Last evaluated: 2020-03-03. Review status: no assertion criteria provided. Collection method: clinical testing. Allele origin: germline.
Comment: This variant is classified as likely benign based on ACMG/AMP sequence variant interpretation guidelines (Richards et al. 2015 PMID: 25741868, with internal and published modifications).

NM_177986.5(DSG4):c.216+7G>A

Genes: DSG1-AS1 (DSG1 antisense RNA 1; minus strand), DSG4 (desmoglein 4; plus strand). Cytogenetic location: 18q12.1.
Variant type: single nucleotide variant.
Coding change: c.216+7G>A on transcript NM_177986.5 (MANE Select); 7 bases into the intron after coding-DNA position 216, G replaced by A.
Molecular consequence: intron variant.
Genome position (GRCh38, 1-based): chr18:31,386,826, G>A. VCF-style: chr18-31386826-G-A. GRCh37 (hg19) VCF-style: chr18-28966789-G-A.
Other names: c.216+7G>A (NM_001134453.3).
Identifiers: ClinVar variation 3057986 (VCV003057986.2), dbSNP rs1474083096, ClinGen allele CA629144013.